The following is an entry in ClinVar:

ClinVar aggregate classification (germline): Uncertain significance (1 of 4 stars; one submission).

gnomAD v4.1: 56 of 1,612,482 alleles (0.0035%); highest among the groups gnomAD compares: Non-Finnish European, 0.0042%; no homozygotes.

Submission:

Labcorp Genetics (formerly Invitae), Labcorp
Classification: Uncertain significance. Last evaluated: 2024-06-12. Review status: criteria provided, single submitter. Criteria: Invitae Variant Classification Sherloc (09022015). Collection method: clinical testing. Allele origin: germline.
Comment: This sequence change replaces arginine, which is basic and polar, with glutamine, which is neutral and polar, at codon 2686 of the FBN3 protein (p.Arg2686Gln). This variant is present in population databases (rs756996100, gnomAD 0.003%). This variant has not been reported in the literature in individuals affected with FBN3-related conditions. Advanced modeling of protein sequence and biophysical properties (such as structural, functional, and spatial information, amino acid conservation, physicochemical variation, residue mobility, and thermodynamic stability) performed at Invitae indicates that this missense variant is not expected to disrupt FBN3 protein function with a negative predictive value of 80%. In summary, the available evidence is currently insufficient to determine the role of this variant in disease. Therefore, it has been classified as a Variant of Uncertain Significance.

NM_032447.5(FBN3):c.8057G>A (p.Arg2686Gln)

Gene: FBN3 (fibrillin 3; minus strand). Cytogenetic location: 19p13.2.
Variant type: single nucleotide variant.
Coding change: c.8057G>A on transcript NM_032447.5 (MANE Select); coding-DNA position 8057, G replaced by A.
Protein change: p.Arg2686Gln; replaces arginine 2686 with glutamine.
Molecular consequence: missense variant.
Genome position (GRCh38, 1-based): chr19:8,072,079, C>T on the plus strand (G>A on the coding strand, the complement: FBN3 is on the minus strand). VCF-style: chr19-8072079-C-T. GRCh37 (hg19) VCF-style: chr19-8136963-C-T.
Other names: c.8057G>A, p.Arg2686Gln (NM_001321431.2); short protein forms R2686Q.
Identifiers: ClinVar variation 3620851 (VCV003620851.2).
Genomic context (GRCh38, chr19:8,072,079, plus strand): 5'-ACCCCTGCCTAGTGCAGCACCCATGTCACCTGGTGGTCCCTGTGGGCACTGCGTCGTGGC[C>T]GGTCCCGAGGGGAGAGGCCATTGATCTTGCATTCGTAGCAGGCTTCAGACGAGAGCAGCT-3'
Protein context (NP_115823.3, residues 2676-2696): CKINGLSPRD[Arg2686Gln]PRRSAHRDHQ